The following is an entry in ClinVar:

ClinVar aggregate classification (germline): Likely pathogenic. Review status: criteria provided, multiple submitters, no conflicts (2 of 4 stars). 2 submissions from 2 submitters: Likely pathogenic (2). Last evaluated 2023-03-15.

Conditions:
Autosomal recessive limb-girdle muscular dystrophy. Identifiers: Orphanet 102015, MedGen C2931907, MONDO:0015152.
Miyoshi muscular dystrophy 1 (MMD1). Identifiers: Orphanet 45448, MedGen C4551973, MONDO:0024545, OMIM 254130.

gnomAD v4.1: 1 of 1,613,848 alleles (0.000062%); highest among the groups gnomAD compares: Admixed American, 0.0017%; no homozygotes.

Submissions (2):

Women's Health and Genetics/Laboratory Corporation of America, LabCorp
Classification: Likely pathogenic for Autosomal recessive limb-girdle muscular dystrophy. Last evaluated: 2023-03-15. Review status: criteria provided, single submitter. Criteria: LabCorp Variant Classification Summary - May 2015. Collection method: clinical testing. Allele origin: germline.
Comment: Variant summary: DYSF c.3037G>T (p.Glu1013X) results in a premature termination codon, predicted to cause a truncation of the encoded protein or absence of the protein due to nonsense mediated decay, which are commonly known mechanisms for disease. Truncations downstream of this position have been classified as pathogenic by our laboratory. The variant allele was found at a frequency of 4e-06 in 249850 control chromosomes (gnomAD). To our knowledge, no occurrence of c.3037G>T in individuals affected with Limb-Girdle Muscular Dystrophy, Autosomal Recessive and no experimental evidence demonstrating its impact on protein function have been reported. No clinical diagnostic laboratories have submitted clinical-significance assessments for this variant to ClinVar after 2014. Based on the evidence outlined above, the variant was classified as likely pathogenic.

Baylor Genetics
Classification: Likely pathogenic for Miyoshi muscular dystrophy 1. Last evaluated: 2023-01-12. Review status: criteria provided, single submitter. Criteria: ACMG Guidelines, 2015. Collection method: clinical testing. Allele origin: unknown.

NM_001130987.2(DYSF):c.3091G>T (p.Glu1031Ter)

Gene: DYSF (dysferlin; plus strand). Cytogenetic location: 2p13.2.
Variant type: single nucleotide variant.
Coding change: c.3091G>T on transcript NM_001130987.2 (MANE Select); coding-DNA position 3091, G replaced by T.
Protein change: p.Glu1031Ter; replaces glutamic acid 1031 with a stop codon.
Molecular consequence: nonsense.
Genome position (GRCh38, 1-based): chr2:71,570,604, G>T. VCF-style: chr2-71570604-G-T. GRCh37 (hg19) VCF-style: chr2-71797734-G-T.
Other names: c.3040G>T, p.Glu1014Ter (NM_001130455.2, NM_001130983.2); c.2995G>T, p.Glu999Ter (NM_001130976.2, NM_001130977.2); c.3037G>T, p.Glu1013Ter (NM_001130978.2, NM_003494.4); c.3130G>T, p.Glu1044Ter (NM_001130979.2); c.3088G>T, p.Glu1030Ter (NM_001130980.2, NM_001130981.2); c.3133G>T, p.Glu1045Ter (NM_001130982.2); c.2998G>T, p.Glu1000Ter (NM_001130984.2, NM_001130986.2); c.3091G>T, p.Glu1031Ter (NM_001130985.2); short protein forms E1000*, E1013*, E1014*, E1030*, E1031*, E1044*, E1045*, E999*.
Identifiers: ClinVar variation 2501144 (VCV002501144.2), dbSNP rs1424933941, ClinGen allele CA347216898.